The following is an entry in ClinVar:

NM_000250.2(MPO):c.721C>T (p.Gln241Ter)

Gene: MPO (myeloperoxidase; minus strand). Cytogenetic location: 17q22.
Variant type: single nucleotide variant.
Coding change: c.721C>T on transcript NM_000250.2 (MANE Select); coding-DNA position 721, C replaced by T.
Protein change: p.Gln241Ter; replaces glutamine 241 with a stop codon.
Molecular consequence: nonsense.
Genome position (GRCh38, 1-based): chr17:58,279,172, G>A on the plus strand (C>T on the coding strand, the complement: MPO is on the minus strand). VCF-style: chr17-58279172-G-A. GRCh37 (hg19) VCF-style: chr17-56356533-G-A.
Other names: short protein forms Q241*.
Identifiers: ClinVar variation 1323288 (VCV001323288.5), dbSNP rs754632893, ClinGen allele CA8670859.

ClinVar aggregate classification (germline): Pathogenic/Likely pathogenic. Review status: criteria provided, multiple submitters, no conflicts (2 of 4 stars). 2 submissions from 2 submitters: Pathogenic (1); Likely pathogenic (1). Last evaluated 2023-05-09.

Conditions:
MPO-related disorder. Also called: MPO-related condition.
Myeloperoxidase deficiency (MPOD). Also called: MPO DEFICIENCY; Myeloperoxidase deficiency syndrome. Identifiers: Orphanet 2587, MedGen C0398595, MONDO:0009694, OMIM 254600.

Allele frequency attached by ClinVar (database versions not stated): ExAC 0.00001; gnomAD 0.00001; gnomAD exomes 0.00001; TOPMed 0.00002.

Submissions (2):

PreventionGenetics, part of Exact Sciences
Classification: Likely pathogenic for MPO-related condition. Last evaluated: 2023-05-09. Review status: criteria provided, single submitter. Criteria: ACMG Guidelines, 2015. Collection method: clinical testing. Allele origin: germline.
Comment: The MPO c.721C>T variant is predicted to result in premature protein termination (p.Gln241*). To our knowledge, this variant has not been reported in the literature. This variant is reported in 0.013% of alleles in individuals of African descent in gnomAD. Nonsense variants in MPO are expected to be pathogenic. This variant is interpreted as likely pathogenic.

Revvity Omics, Revvity
Classification: Pathogenic for Myeloperoxidase deficiency. Last evaluated: 2019-08-07. Review status: criteria provided, single submitter. Criteria: ACMG Guidelines, 2015. Collection method: clinical testing. Allele origin: germline.